The following is an entry in ClinVar:

ClinVar aggregate classification (germline): Uncertain significance (1 of 4 stars; one submission).

Conditions:
Hereditary sensory and autonomic neuropathy type 6. Also called: Neuropathy, hereditary sensory and autonomic, type VI; HSAN VI. Identifiers: Orphanet 314381, MedGen C3539003, MONDO:0013839, OMIM 614653.
Epidermolysis bullosa simplex 3, localized or generalized intermediate, with BP230 deficiency (EBS3). Also called: Epidermolysis bullosa simplex due to BP230 deficiency; Epidermolysis bullosa simplex, autosomal recessive 2. Identifiers: Orphanet 412181, MedGen C3809470, MONDO:0014180, OMIM 615425.

gnomAD v4.1: 7 of 1,612,094 alleles (0.00043%); highest among the groups gnomAD compares: Non-Finnish European, 0.00059%; no homozygotes.

Submission:

Labcorp Genetics (formerly Invitae), Labcorp
Classification: Uncertain significance for Epidermolysis bullosa simplex 3, localized or generalized intermediate, with BP230 deficiency; Hereditary sensory and autonomic neuropathy type 6. Last evaluated: 2022-07-19. Review status: criteria provided, single submitter. Criteria: Invitae Variant Classification Sherloc (09022015). Collection method: clinical testing. Allele origin: germline.
Comment: This sequence change replaces alanine, which is neutral and non-polar, with glycine, which is neutral and non-polar, at codon 1029 of the DST protein (p.Ala1029Gly). This variant is not present in population databases (gnomAD no frequency). This variant has not been reported in the literature in individuals affected with DST-related conditions. ClinVar contains an entry for this variant (Variation ID: 1023640). Algorithms developed to predict the effect of missense changes on protein structure and function (SIFT, PolyPhen-2, Align-GVGD) all suggest that this variant is likely to be tolerated. In summary, the available evidence is currently insufficient to determine the role of this variant in disease. Therefore, it has been classified as a Variant of Uncertain Significance.

NM_001374736.1(DST):c.4697C>G (p.Ala1566Gly)

Gene: DST (dystonin; minus strand). Cytogenetic location: 6p12.1.
Variant type: single nucleotide variant.
Coding change: c.4697C>G on transcript NM_001374736.1 (MANE Select); coding-DNA position 4697, C replaced by G.
Protein change: p.Ala1566Gly; replaces alanine 1566 with glycine.
Molecular consequence: missense variant.
Genome position (GRCh38, 1-based): chr6:56,627,229, G>C on the plus strand (C>G on the coding strand, the complement: DST is on the minus strand). VCF-style: chr6-56627229-G-C. GRCh37 (hg19) VCF-style: chr6-56492027-G-C.
Other names: c.4598C>G, p.Ala1533Gly (NM_001144769.5); c.4184C>G, p.Ala1395Gly (NM_001144770.2); c.4697C>G, p.Ala1566Gly (NM_001374722.1); c.4064C>G, p.Ala1355Gly (NM_001374729.1, NM_001374730.1, NM_001386100.1 and 1 more transcripts); c.4724C>G, p.Ala1575Gly (NM_001374734.1); c.3086C>G, p.Ala1029Gly (NM_001723.7, NM_015548.5); short protein forms A1029G, A1355G, A1395G, A1533G, A1566G, A1575G.
Identifiers: ClinVar variation 1023640 (VCV001023640.9), dbSNP rs779663563, ClinGen allele CA139214195.